The following is an entry in ClinVar:

NM_012330.4(KAT6B):c.5057A>G (p.Tyr1686Cys)

Gene: KAT6B (lysine acetyltransferase 6B; plus strand). Cytogenetic location: 10q22.2.
Variant type: single nucleotide variant.
Coding change: c.5057A>G on transcript NM_012330.4 (MANE Select); coding-DNA position 5057, A replaced by G.
Protein change: p.Tyr1686Cys; replaces tyrosine 1686 with cysteine.
Molecular consequence: missense variant.
Genome position (GRCh38, 1-based): chr10:75,029,881, A>G. VCF-style: chr10-75029881-A-G. GRCh37 (hg19) VCF-style: chr10-76789639-A-G.
Other names: c.4508A>G, p.Tyr1503Cys (NM_001256468.2, NM_001370138.1); c.4181A>G, p.Tyr1394Cys (NM_001256469.2, NM_001370139.1, NM_001370140.1 and 2 more transcripts); c.4019A>G, p.Tyr1340Cys (NM_001370132.1); c.3368A>G, p.Tyr1123Cys (NM_001370133.1); c.2972A>G, p.Tyr991Cys (NM_001370134.1); c.2714A>G, p.Tyr905Cys (NM_001370135.1); c.5057A>G, p.Tyr1686Cys (NM_001370136.1, NM_001370137.1); c.3992A>G, p.Tyr1331Cys (NM_001370143.1, NM_001370144.1); short protein forms Y1123C, Y1331C, Y1340C, Y1394C, Y1503C, Y1686C, Y905C, Y991C.
Identifiers: ClinVar variation 1721654 (VCV001721654.6), dbSNP rs1041940434, ClinGen allele CA209710340.

ClinVar aggregate classification (germline): Uncertain significance (1 of 4 stars; one submission).

Conditions:
Genitopatellar syndrome (GTPTS). Also called: Genitopatellar syndrome (GPS); ABSENT PATELLAE, SCROTAL HYPOPLASIA, RENAL ANOMALIES, FACIAL DYSMORPHISM, AND MENTAL RETARDATION. Identifiers: Orphanet 85201, MedGen C1853566, MONDO:0011640, OMIM 606170.

Allele frequency attached by ClinVar (database versions not stated): TOPMed below 0.00001; gnomAD 0.00001.
gnomAD v4.1: 1 of 1,614,104 alleles (0.000062%); no homozygotes.

Submission:

Labcorp Genetics (formerly Invitae), Labcorp
Classification: Uncertain significance for Genitopatellar syndrome. Last evaluated: 2025-09-02. Review status: criteria provided, single submitter. Criteria: Invitae Variant Classification Sherloc (09022015). Collection method: clinical testing. Allele origin: germline.
Comment: This sequence change replaces tyrosine, which is neutral and polar, with cysteine, which is neutral and slightly polar, at codon 1686 of the KAT6B protein (p.Tyr1686Cys). This variant is not present in population databases (gnomAD no frequency). This variant has not been reported in the literature in individuals affected with KAT6B-related conditions. ClinVar contains an entry for this variant (Variation ID: 1721654). An algorithm developed to predict the effect of missense changes on protein structure and function (PolyPhen-2) suggests that this variant is likely to be disruptive. In summary, the available evidence is currently insufficient to determine the role of this variant in disease. Therefore, it has been classified as a Variant of Uncertain Significance.